The following is an entry in ClinVar:

ClinVar aggregate classification (germline): Uncertain significance (1 of 4 stars; one submission).

Allele frequency attached by ClinVar (database versions not stated): TOPMed below 0.00001; gnomAD exomes 0.00001.
gnomAD v4.1: 9 of 1,565,194 alleles (0.00058%); highest among the groups gnomAD compares: African/African-American, 0.0027%; no homozygotes.

Submission:

Labcorp Genetics (formerly Invitae), Labcorp
Classification: Uncertain significance. Last evaluated: 2023-07-31. Review status: criteria provided, single submitter. Criteria: Invitae Variant Classification Sherloc (09022015). Collection method: clinical testing. Allele origin: germline.
Comment: This variant is not present in population databases (gnomAD no frequency). This sequence change falls in intron 11 of the KAT6A gene. It does not directly change the encoded amino acid sequence of the KAT6A protein. It affects a nucleotide within the consensus splice site. In summary, the available evidence is currently insufficient to determine the role of this variant in disease. Therefore, it has been classified as a Variant of Uncertain Significance. Variants that disrupt the consensus splice site are a relatively common cause of aberrant splicing (PMID: 17576681, 9536098). Algorithms developed to predict the effect of sequence changes on RNA splicing suggest that this variant is not likely to affect RNA splicing. This variant has not been reported in the literature in individuals affected with KAT6A-related conditions.

Literature cited by the submitters: PubMed 17576681; PubMed 9536098.

NM_006766.5(KAT6A):c.1903-3C>T

Gene: KAT6A (lysine acetyltransferase 6A; minus strand). Cytogenetic location: 8p11.21.
Variant type: single nucleotide variant.
Coding change: c.1903-3C>T on transcript NM_006766.5 (MANE Select); 3 bases into the intron before coding-DNA position 1903, C replaced by T.
Molecular consequence: intron variant.
Genome position (GRCh38, 1-based): chr8:41,946,687, G>A on the plus strand (C>T on the coding strand, the complement: KAT6A is on the minus strand). VCF-style: chr8-41946687-G-A. GRCh37 (hg19) VCF-style: chr8-41804205-G-A.
Other names: c.1903-3C>T (NM_001305878.2).
Identifiers: ClinVar variation 2991396 (VCV002991396.3), dbSNP rs1822412761, ClinGen allele CA1779184592.